The following is an entry in ClinVar:

NM_015001.3(SPEN):c.5567A>G (p.Asn1856Ser)

Gene: SPEN (spen family transcriptional repressor; plus strand). Cytogenetic location: 1p36.13.
Variant type: single nucleotide variant.
Coding change: c.5567A>G on transcript NM_015001.3 (MANE Select); coding-DNA position 5567, A replaced by G.
Protein change: p.Asn1856Ser; replaces asparagine 1856 with serine.
Molecular consequence: missense variant.
Genome position (GRCh38, 1-based): chr1:15,931,807, A>G. VCF-style: chr1-15931807-A-G. GRCh37 (hg19) VCF-style: chr1-16258302-A-G.
Other names: short protein forms N1856S.
Identifiers: ClinVar variation 1694493 (VCV001694493.34), dbSNP rs113470169, ClinGen allele CA619754.

ClinVar aggregate classification (germline): Benign/Likely benign. Review status: criteria provided, multiple submitters, no conflicts (2 of 4 stars). 4 submissions from 4 submitters: Benign (1); Likely benign (2). 1 of the submissions does not count toward it. Last evaluated 2026-07-01.

Conditions:
Radio-Tartaglia syndrome. Identifiers: Orphanet 662234, MedGen C5543339, MONDO:0859143, OMIM 619312.
SPEN-related disorder. Also called: SPEN-related condition.

Allele frequency attached by ClinVar (database versions not stated): 1000 Genomes Project 30x 0.00297; 1000 Genomes Project 0.00319; ESP Exome Variant Server 0.00615.
gnomAD v4.1: 11,648 of 1,614,232 alleles (0.72%); highest among the groups gnomAD compares: Non-Finnish European, 0.9%; 60 homozygotes.

Submissions (4):

CeGaT Center for Human Genetics Tuebingen
Classification: Benign. Last evaluated: 2026-07-01. Review status: criteria provided, single submitter. Criteria: CeGaT Center For Human Genetics Tuebingen Variant Classification Criteria Version 2. Collection method: clinical testing. Allele origin: germline. Affected: yes. Observed: 37 variant alleles.
Comment: SPEN: BP4, BS1, BS2

Fulgent Genetics
Classification: Likely benign for Radio-Tartaglia syndrome. Last evaluated: 2022-05-03. Review status: criteria provided, single submitter. Criteria: ACMG Guidelines, 2015. Collection method: clinical testing. Allele origin: unknown.

Victorian Clinical Genetics Services, Murdoch Childrens Research Institute
Classification: Likely benign for Radio-Tartaglia syndrome. Last evaluated: 2022-02-02. Review status: criteria provided, single submitter. Criteria: ACMG Guidelines, 2015. Collection method: clinical testing. Allele origin: germline.
Comment: Based on the classification scheme VCGS_Germline_v1.3.4, this variant is classified as likely benign. Following criteria are met: 0308 - Population frequency for this variant is out of keeping with known incidence of Radio-Tartaglia syndrome (MIM#619312). (SB) Legend: (SP) - Supporting pathogenic, (I) - Information, (SB) - Supporting benign

PreventionGenetics, part of Exact Sciences
Classification: Benign for SPEN-related condition. Last evaluated: 2024-03-14. Review status: no assertion criteria provided. Collection method: clinical testing. Allele origin: germline. Not counted in ClinVar's aggregate classification.
Comment: This variant is classified as benign based on ACMG/AMP sequence variant interpretation guidelines (Richards et al. 2015 PMID: 25741868, with internal and published modifications).